The following is an entry in ClinVar:

NM_004655.4(AXIN2):c.1553A>G (p.Tyr518Cys)

Gene: AXIN2 (axin 2; minus strand). Cytogenetic location: 17q24.1.
Variant type: single nucleotide variant.
Coding change: c.1553A>G on transcript NM_004655.4 (MANE Select); coding-DNA position 1553, A replaced by G.
Protein change: p.Tyr518Cys; replaces tyrosine 518 with cysteine.
Molecular consequence: missense variant.
Genome position (GRCh38, 1-based): chr17:65,537,483, T>C on the plus strand (A>G on the coding strand, the complement: AXIN2 is on the minus strand). VCF-style: chr17-65537483-T-C. GRCh37 (hg19) VCF-style: chr17-63533601-T-C.
Other names: c.1553A>G (LRG_296t1); c.1553A>G, p.Tyr518Cys (NM_001363813.1); short protein forms Y518C.
Identifiers: ClinVar variation 408823 (VCV000408823.30), dbSNP rs368289818, ClinGen allele CA8718615.

ClinVar aggregate classification (germline): Conflicting classifications of pathogenicity. Review status: criteria provided, conflicting classifications (1 of 4 stars). 8 submissions from 8 submitters: Uncertain significance (6); Likely benign (1). 1 of the submissions does not count toward it. Last evaluated 2026-01-31.

Conditions:
Oligodontia-cancer predisposition syndrome. Also called: TOOTH AGENESIS-COLORECTAL CANCER SYNDROME. Identifiers: Orphanet 300576, MedGen C1837750, MONDO:0012075, OMIM 608615. Disease mechanism: loss of function.
Hereditary cancer-predisposing syndrome. Also called: Hereditary neoplastic syndrome; Neoplastic Syndromes, Hereditary; Hereditary Cancer Syndrome; Tumor predisposition. Identifiers: Orphanet 140162, MedGen C0027672, MeSH D009386, MONDO:0015356.
Carcinoma of colon (CRC). Also called: Colon carcinoma; Colonic carcinoma. Identifiers: MedGen C0699790, MONDO:0002032.

Allele frequency attached by ClinVar (database versions not stated): ExAC 0.00002; gnomAD 0.00004 and 0.00003; TOPMed 0.00006; gnomAD exomes 0.00003 and 0.00005; ESP Exome Variant Server 0.00008.
gnomAD v4.1: 54 of 1,613,488 alleles (0.0033%); highest among the groups gnomAD compares: Middle Eastern, 0.082%; no homozygotes.

Submissions (8):

Labcorp Genetics (formerly Invitae), Labcorp
Classification: Uncertain significance for Oligodontia-cancer predisposition syndrome. Last evaluated: 2026-01-31. Review status: criteria provided, single submitter. Criteria: Invitae Variant Classification Sherloc (09022015). Collection method: clinical testing. Allele origin: germline.
Comment: This sequence change replaces tyrosine, which is neutral and polar, with cysteine, which is neutral and slightly polar, at codon 518 of the AXIN2 protein (p.Tyr518Cys). This variant is present in population databases (rs368289818, gnomAD 0.01%). This variant has not been reported in the literature in individuals affected with AXIN2-related conditions. ClinVar contains an entry for this variant (Variation ID: 408823). Invitae Evidence Modeling of protein sequence and biophysical properties (such as structural, functional, and spatial information, amino acid conservation, physicochemical variation, residue mobility, and thermodynamic stability) indicates that this missense variant is expected to disrupt AXIN2 protein function with a positive predictive value of 80%. In summary, the available evidence is currently insufficient to determine the role of this variant in disease. Therefore, it has been classified as a Variant of Uncertain Significance.

Center for Genomic Medicine, Rigshospitalet, Copenhagen University Hospital
Classification: Uncertain significance. Last evaluated: 2025-03-04. Review status: criteria provided, single submitter. Criteria: ACMG Guidelines, 2015. Collection method: clinical testing. Allele origin: germline.

Quest Diagnostics Nichols Institute San Juan Capistrano
Classification: Uncertain significance. Last evaluated: 2025-02-26. Review status: criteria provided, single submitter. Criteria: Quest Diagnostics criteria. Collection method: clinical testing. Allele origin: unknown.
Comment: The AXIN2 c.1553A>G (p.Tyr518Cys) variant has been reported in the published literature in individuals with childhood cancer (PMID: 34687117 (2022)). The frequency of this variant in the general population (Genome Aggregation Database) is uninformative in the assessment of its pathogenicity. Analysis of this variant using bioinformatics tools for the prediction of the effect of amino acid changes on protein structure and function yielded predictions that this variant is damaging. Based on the available information, we are unable to determine the clinical significance of this variant.

GeneDx
Classification: Uncertain significance. Last evaluated: 2024-04-07. Review status: criteria provided, single submitter. Criteria: GeneDx Variant Classification Process June 2021. Collection method: clinical testing. Allele origin: germline.
Comment: In silico analysis supports that this missense variant has a deleterious effect on protein structure/function; Identified in a pediatric patient with neuroblastoma and lymphoma, who also harbored a pathogenic variant in BRCA2 (PMID: 34687117); This variant is associated with the following publications: (PMID: 34687117)

Ambry Genetics
Classification: Likely benign for Hereditary cancer-predisposing syndrome. Last evaluated: 2023-06-01. Review status: criteria provided, single submitter. Criteria: Ambry Variant Classification Scheme 2023. Collection method: clinical testing. Allele origin: germline.

Sema4
Classification: Uncertain significance for Hereditary cancer-predisposing syndrome. Last evaluated: 2021-09-25. Review status: criteria provided, single submitter. Criteria: Sema4 Curation Guidelines. Collection method: curation. Allele origin: germline.
Comment: The AXIN2 c.1553A>G (p.Y518C) variant has not been reported in the literature to our knowledge. It was observed in 1/10078 chromosomes of the Ashkenazi Jewish subpopulation in the large and broad cohorts of the Genome Aggregation Database (PMID: 32461654). This variant has been reported in ClinVar (Variation ID: 408823). Functional studies have not been performed, and in silico predictions of the variant's effect on protein function are inconclusive. The evidence is insufficient to meet ACMG/AMP criteria for classifying the variant as benign or pathogenic. Thus, the clinical significance of this variant is currently uncertain.

Fulgent Genetics
Classification: Uncertain significance for Colorectal cancer; Oligodontia-cancer predisposition syndrome. Last evaluated: 2018-10-31. Review status: criteria provided, single submitter. Criteria: ACMG Guidelines, 2015. Collection method: clinical testing. Allele origin: unknown.

Mayo Clinic Laboratories, Mayo Clinic
Classification: Uncertain significance. Review status: no assertion criteria provided. Collection method: clinical testing. Allele origin: unknown. Not counted in ClinVar's aggregate classification.

Literature cited by the submitters: PubMed 34687117 (cited by Quest Diagnostics Nichols Institute San Juan Capistrano).